The following is an entry in ClinVar:

ClinVar aggregate classification (germline): Pathogenic. Review status: reviewed by expert panel (3 of 4 stars). 4 submissions from 4 submitters: Pathogenic (1). 3 of the submissions do not count toward it. Last evaluated 2016-10-18.

Conditions:
Breast and/or ovarian cancer. Identifiers: MedGen CN221562.
Breast-ovarian cancer, familial, susceptibility to, 2 (BROVCA2). Also called: BRCA2 Hereditary Breast and Ovarian Cancer. Identifiers: Orphanet 145, MedGen C2675520, MONDO:0012933, OMIM 612555. Disease mechanism: loss of function.
Hereditary cancer-predisposing syndrome. Also called: Hereditary neoplastic syndrome; Neoplastic Syndromes, Hereditary; Tumor predisposition; Hereditary Cancer Syndrome. Identifiers: Orphanet 140162, MedGen C0027672, MeSH D009386, MONDO:0015356.

Submissions (4):

Evidence-based Network for the Interpretation of Germline Mutant Alleles (ENIGMA)
Classification: Pathogenic for Breast-ovarian cancer, familial, susceptibility to, 2. Last evaluated: 2016-10-18. Review status: reviewed by expert panel. Criteria: ENIGMA BRCA1/2 Classification Criteria (2015). Collection method: curation. Allele origin: germline.
Comment: Variant allele predicted to encode a truncated non-functional protein.

CHEO Genetics Diagnostic Laboratory, Children's Hospital of Eastern Ontario
Classification: Likely pathogenic for Breast and/or ovarian cancer. Last evaluated: 2019-07-09. Review status: criteria provided, single submitter. Criteria: ACMG Guidelines, 2015. Collection method: clinical testing. Allele origin: germline. Not counted in ClinVar's aggregate classification.

Ambry Genetics
Classification: Pathogenic for Hereditary cancer-predisposing syndrome. Last evaluated: 2017-05-16. Review status: criteria provided, single submitter. Criteria: Ambry Variant Classification Scheme 2023. Collection method: clinical testing. Allele origin: germline. Not counted in ClinVar's aggregate classification.
Comment: The c.6514_6515delTC pathogenic mutation, located in coding exon 10 of the BRCA2 gene, results from a deletion of two nucleotides at nucleotide positions 6514 to 6515, causing a translational frameshift with a predicted alternate stop codon (p.S2172Tfs*3). This alteration is expected to result in loss of function by premature protein truncation or nonsense-mediated mRNA decay. As such, this alteration is interpreted as a disease-causing mutation.

Consortium of Investigators of Modifiers of BRCA1/2 (CIMBA), c/o University of Cambridge
Classification: Pathogenic for Breast-ovarian cancer, familial, susceptibility to, 2. Last evaluated: 2015-10-02. Review status: criteria provided, single submitter. Criteria: CIMBA Mutation Classification guidelines May 2016. Collection method: clinical testing. Allele origin: germline. Not counted in ClinVar's aggregate classification.

NM_000059.4(BRCA2):c.6514_6515del (p.Ser2172fs)

Gene: BRCA2 (BRCA2 DNA repair associated; plus strand). Cytogenetic location: 13q13.1.
Variant type: Deletion.
Coding change: c.6514_6515del on transcript NM_000059.4 (MANE Select); coding-DNA positions 6514 to 6515, 2 bases deleted (TC; older notation c.6514_6515delTC).
Protein change: p.Ser2172fs; shifts the reading frame from serine 2172.
Molecular consequence: frameshift variant.
Genome position (GRCh38, 1-based): chr13:32,340,869-32,340,870, TC deleted. VCF-style (leftmost placement, unchanged base first): chr13-32340868-GTC-G. GRCh37 (hg19) VCF-style: chr13-32915005-GTC-G.
Other names: 6742_6743delTC; c.6514_6515delTC (NM_000059.3); short protein forms S2172fs.
Identifiers: ClinVar variation 266955 (VCV000266955.8), dbSNP rs886040662, ClinGen allele CA10589384.
Genomic context (GRCh38, chr13:32,340,868, plus strand): 5'-TTCTCCATATCTCTCTCAATTTCAACAAGACAAACAACAGTTGGTATTAGGAACCAAAGT[GTC>G]ACTTGTTGAGAACATTCATGTTTTGGGAAAAGAACAGGCTTCACCTAAAAACGTAAAAAT-3'